The following is an entry in ClinVar:

ClinVar aggregate classification (germline): Pathogenic (1 of 4 stars; one submission).

Conditions:
Duchenne muscular dystrophy (DMD). Also called: MUSCULAR DYSTROPHY, PSEUDOHYPERTROPHIC PROGRESSIVE, DUCHENNE TYPE; Duchenne Muscular Dystrophy (DMD). Identifiers: Orphanet 98896, MedGen C0013264, MONDO:0010679, OMIM 310200.

Submission:

Labcorp Genetics (formerly Invitae), Labcorp
Classification: Pathogenic for Duchenne muscular dystrophy. Last evaluated: 2025-08-23. Review status: criteria provided, single submitter. Criteria: Invitae Variant Classification Sherloc (09022015). Collection method: clinical testing. Allele origin: germline.
Comment: This sequence change creates a premature translational stop signal (p.Trp118*) in the DMD gene. It is expected to result in an absent or disrupted protein product. Loss-of-function variants in DMD are known to be pathogenic (PMID: 16770791, 25007885). This variant is not present in population databases (gnomAD no frequency). This premature translational stop signal has been observed in individual(s) with Duchenne muscular dystrophy (PMID: 26968818). For these reasons, this variant has been classified as Pathogenic.

Literature cited by the submitters: PubMed 16770791; PubMed 25007885; PubMed 26968818.

NM_004006.3(DMD):c.353G>A (p.Trp118Ter)

Gene: DMD (dystrophin; minus strand). Cytogenetic location: Xp21.1.
Variant type: single nucleotide variant.
Coding change: c.353G>A on transcript NM_004006.3 (MANE Select); coding-DNA position 353, G replaced by A.
Protein change: p.Trp118Ter; replaces tryptophan 118 with a stop codon.
Molecular consequence: nonsense. On other transcripts: 5 prime UTR variant (1).
Genome position (GRCh38, 1-based): chrX:32,823,299, C>T on the plus strand (G>A on the coding strand, the complement: DMD is on the minus strand). VCF-style: chrX-32823299-C-T. GRCh37 (hg19) VCF-style: chrX-32841416-C-T.
Other names: c.329G>A, p.Trp110Ter (NM_000109.4); c.341G>A, p.Trp114Ter (NM_004009.3); c.-17G>A (NM_004010.3); short protein forms W110*, W114*, W118*.
Identifiers: ClinVar variation 4710706 (VCV004710706.1), dbSNP rs2148849982.
Genomic context (GRCh38, chrX:32,823,299, plus strand): 5'-AATTAAAAAACAAGATTAATGTTACCCAAAAGGAAACCATTCATCAGGATTCTTACCTGC[C>T]AGTGGAGGATTATATTCCAAATCAAACCAAGAGTCAGTTTATGATTTCCATCTACGATGT-3'